The following is an entry in ClinVar:

NM_020806.5(GPHN):c.1473-7_1489del

Gene: GPHN (gephyrin; plus strand). Cytogenetic location: 14q23.3.
Variant type: Deletion.
Coding change: c.1473-7_1489del on transcript NM_020806.5 (MANE Select); 7 bases into the intron before coding-DNA position 1473 through coding-DNA position 1489, 24 bases deleted (CTTTCAGACCCATCGGCCATGACA).
Molecular consequence: splice acceptor variant.
Genome position (GRCh38, 1-based): chr14:67,113,011-67,113,034, CTTTCAGACCCATCGGCCATGACA deleted; deleting any 24 consecutive bases within chr14:67,113,010-67,113,034 gives the same sequence; the c. name uses the placement nearest the transcript's 3' end. VCF-style (leftmost placement, unchanged base first): chr14-67113009-GACTTTCAGACCCATCGGCCATGAC-G. GRCh37 (hg19) VCF-style: chr14-67579726-GACTTTCAGACCCATCGGCCATGAC-G.
Other names: c.1533-7_1549del (NM_001377514.1); c.1413-7_1429del (NM_001377519.1); c.1503-7_1519del (NM_001377515.1); c.1494-7_1510del (NM_001377516.1); c.1431-7_1447del (NM_001377518.1); c.1446-7_1462del (NM_001377517.1); c.1374-7_1390del (NM_001024218.2).
Identifiers: ClinVar variation 2767390 (VCV002767390.3), dbSNP rs2543402379, ClinGen allele CA2697553978.

ClinVar aggregate classification (germline): Likely pathogenic (1 of 4 stars; one submission).

Conditions:
Sulfite oxidase deficiency due to molybdenum cofactor deficiency type C. Also called: Molybdenum cofactor deficiency, complementation group C; Molybdenum cofactor deficiency C. Identifiers: Orphanet 308400, Orphanet 833, MedGen C1854990, MONDO:0014212, OMIM 615501.

Submission:

Labcorp Genetics (formerly Invitae), Labcorp
Classification: Likely pathogenic for Sulfite oxidase deficiency due to molybdenum cofactor deficiency type C. Last evaluated: 2023-10-10. Review status: criteria provided, single submitter. Criteria: Invitae Variant Classification Sherloc (09022015). Collection method: clinical testing. Allele origin: germline.
Comment: This variant results in the deletion of part of exon 16 (c.1473-7_1489del) of the GPHN gene. It is expected to disrupt RNA splicing. Variants that disrupt the donor or acceptor splice site typically lead to a loss of protein function (PMID: 16199547), and loss-of-function variants in GPHN are known to be pathogenic (PMID: 11095995, 23184456, 23393157, 24561070, 26613940). This variant is not present in population databases (gnomAD no frequency). This variant has not been reported in the literature in individuals affected with GPHN-related conditions. In summary, the currently available evidence indicates that the variant is pathogenic, but additional data are needed to prove that conclusively. Therefore, this variant has been classified as Likely Pathogenic.

Literature cited by the submitters: PubMed 16199547; PubMed 11095995; PubMed 23184456; PubMed 23393157; PubMed 24561070; PubMed 26613940.